The following is an entry in ClinVar:

NM_133433.4(NIPBL):c.4954C>T (p.Gln1652Ter)

Gene: NIPBL (NIPBL cohesin loading factor; plus strand). Cytogenetic location: 5p13.2.
Variant type: single nucleotide variant.
Coding change: c.4954C>T on transcript NM_133433.4 (MANE Select); coding-DNA position 4954, C replaced by T.
Protein change: p.Gln1652Ter; replaces glutamine 1652 with a stop codon.
Molecular consequence: nonsense.
Genome position (GRCh38, 1-based): chr5:37,019,344, C>T. VCF-style: chr5-37019344-C-T. GRCh37 (hg19) VCF-style: chr5-37019446-C-T.
Other names: c.4954C>T, p.Gln1652Ter (NM_001438586.1, NM_015384.5); short protein forms Q1652*.
Identifiers: ClinVar variation 4759239 (VCV004759239.1).

ClinVar aggregate classification (germline): Pathogenic (1 of 4 stars; one submission).

Conditions:
Cornelia de Lange syndrome 1 (CDLS1). Also called: TYPUS DEGENERATIVUS AMSTELODAMENSIS; Brachmann de Lange syndrome; NIPBL-Related Cornelia de Lange Syndrome. Identifiers: Orphanet 199, MedGen C4551851, MONDO:0007387, OMIM 122470.

Submission:

Variantyx, Inc.
Classification: Pathogenic for Cornelia de Lange syndrome 1. Last evaluated: 2025-03-23. Review status: criteria provided, single submitter. Criteria: Variantyx Assertion Criteria 2022. Collection method: clinical testing. Allele origin: de novo.
Comment: This is a nonsense variant in the NIPBL gene (OMIM: 608667). Pathogenic variants in this gene have been associated with autosomal dominant Cornelia de Lange syndrome 1. This variant introduces a premature termination codon in exon 25 out of 47. It is expected to result in loss of function, which is a known disease mechanism for NIPBL in this disorder (PMID: 15146185, 15146186, 15318302) (PVS1). This variant is absent from control populations (PM2_Supporting). Based on the current evidence, this variant is classified as pathogenic for autosomal dominant Cornelia de Lange syndrome 1.